The following is an entry in ClinVar:

NM_000110.4(DPYD):c.*780C>T

Gene: DPYD (dihydropyrimidine dehydrogenase; minus strand). Cytogenetic location: 1p21.3.
Variant type: single nucleotide variant.
Coding change: c.*780C>T on transcript NM_000110.4 (MANE Select); 780 bases downstream of the stop codon, C replaced by T.
Molecular consequence: 3 prime UTR variant.
Genome position (GRCh38, 1-based): chr1:97,078,196, G>A on the plus strand (C>T on the coding strand, the complement: DPYD is on the minus strand). VCF-style: chr1-97078196-G-A. GRCh37 (hg19) VCF-style: chr1-97543752-G-A.
Identifiers: ClinVar variation 100064 (VCV000100064.6), dbSNP rs291593, ClinGen allele CA228066.

ClinVar aggregate classification (germline): Benign. Review status: criteria provided, multiple submitters, no conflicts (2 of 4 stars). 3 submissions from 3 submitters: Benign (2). 1 of the submissions does not count toward it. Last evaluated 2018-01-13.

Conditions:
Dihydropyrimidine dehydrogenase deficiency (DPYDD). Also called: DPD DEFICIENCY; DPYD DEFICIENCY; Hereditary Thymine-Uraciluria. Identifiers: Orphanet 1675, MedGen C1959620, MONDO:0010130, OMIM 274270.

Allele frequency attached by ClinVar (database versions not stated): gnomAD exomes 0.24227; gnomAD 0.28025 and 0.28983; TOPMed 0.28108; 1000 Genomes Project 30x 0.37367; 1000 Genomes Project 0.38498.
gnomAD v4.1: 44,079 of 152,114 alleles (29%); highest among the groups gnomAD compares: East Asian, 61%; 6,948 homozygotes.

Submissions (3):

Illumina Laboratory Services, Illumina
Classification: Benign for Dihydropyrimidine dehydrogenase deficiency. Last evaluated: 2018-01-13. Review status: criteria provided, single submitter. Criteria: ICSL Variant Classification Criteria 13 December 2019. Collection method: clinical testing. Allele origin: germline.
Comment: This variant was observed in the ICSL laboratory as part of a predisposition screen in an ostensibly healthy population. It had not been previously curated by ICSL or reported in the Human Gene Mutation Database (HGMD: prior to June 1st, 2018), and was therefore a candidate for classification through an automated scoring system. Utilizing variant allele frequency, disease prevalence and penetrance estimates, and inheritance mode, an automated score was calculated to assess if this variant is too frequent to cause the disease. Based on the score and internal cut-off values, a variant classified as benign is not then subjected to further curation. The score for this variant resulted in a classification of benign for this disease.

Breakthrough Genomics
Classification: Benign. Review status: criteria provided, single submitter. Criteria: ACMG Guidelines, 2015. Collection method: not provided. Allele origin: germline. Inheritance: Autosomal recessive inheritance. Affected: yes.

Diasio Lab,  Mayo Clinic
No classification provided. Review status: no classification provided. Collection method: not provided. Allele origin: unknown. Not counted in ClinVar's aggregate classification.